The following is an entry in ClinVar:

ClinVar aggregate classification (germline): Uncertain significance (1 of 4 stars; one submission).

Submission:

Laboratory for Molecular Medicine, Mass General Brigham Personalized Medicine
Classification: Uncertain significance. Last evaluated: 2015-01-02. Review status: criteria provided, single submitter. Criteria: LMM Criteria. Collection method: clinical testing. Allele origin: germline. Observed: 1 variant allele.
Comment: The c.23596+4T>G variant in TTN has not been previously reported in individuals with cardiomyopathy or in large population studies. This variant is located in t he 5' splice region. Computational tools suggest a possible impact to splicing. However, this information is not predictive enough to determine pathogenicity. I n summary, the clinical significance of the c.23596+4T>G variant is uncertain.

NM_001267550.2(TTN):c.27328+4T>G

Gene: TTN (titin; minus strand). Cytogenetic location: 2q31.2.
Variant type: single nucleotide variant.
Coding change: c.27328+4T>G on transcript NM_001267550.2 (MANE Select); 4 bases into the intron after coding-DNA position 27328, T replaced by G.
Molecular consequence: intron variant.
Genome position (GRCh38, 1-based): chr2:178,712,693, A>C on the plus strand (T>G on the coding strand, the complement: TTN is on the minus strand). VCF-style: chr2-178712693-A-C. GRCh37 (hg19) VCF-style: chr2-179577420-A-C.
Other names: c.13282+25389T>G (NM_003319.4); c.13858+25389T>G (NM_133437.4); c.13657+25389T>G (NM_133432.3); c.23596+4T>G (NM_133378.4); c.26377+4T>G (NM_001256850.1).
Identifiers: ClinVar variation 229407 (VCV000229407.5), dbSNP rs876658048, ClinGen allele CA10576548.